The following is an entry in ClinVar:

ClinVar aggregate classification (germline): Uncertain significance (1 of 4 stars; one submission).

Conditions:
Hereditary cancer-predisposing syndrome. Also called: Hereditary Cancer Syndrome; Hereditary neoplastic syndrome; Neoplastic Syndromes, Hereditary; Tumor predisposition. Identifiers: Orphanet 140162, MedGen C0027672, MeSH D009386, MONDO:0015356.

Allele frequency attached by ClinVar (database versions not stated): gnomAD exomes below 0.00001.

Submission:

Ambry Genetics
Classification: Uncertain significance for Hereditary cancer-predisposing syndrome. Last evaluated: 2022-04-01. Review status: criteria provided, single submitter. Criteria: Ambry Variant Classification Scheme 2023. Collection method: clinical testing. Allele origin: germline.
Comment: The p.M152V variant (also known as c.454A>G), located in coding exon 1 of the GREM1 gene, results from an A to G substitution at nucleotide position 454. The methionine at codon 152 is replaced by valine, an amino acid with highly similar properties. This amino acid position is conserved. In addition, this alteration is predicted to be tolerated by in silico analysis. Since supporting evidence is limited at this time, the clinical significance of this alteration remains unclear.

NM_013372.7(GREM1):c.454A>G (p.Met152Val)

Gene: GREM1 (gremlin 1, DAN family BMP antagonist; plus strand). Cytogenetic location: 15q13.3.
Variant type: single nucleotide variant.
Coding change: c.454A>G on transcript NM_013372.7 (MANE Select); coding-DNA position 454, A replaced by G.
Protein change: p.Met152Val; replaces methionine 152 with valine.
Molecular consequence: missense variant.
Genome position (GRCh38, 1-based): chr15:32,731,144, A>G. VCF-style: chr15-32731144-A-G. GRCh37 (hg19) VCF-style: chr15-33023345-A-G.
Other names: c.244A>G, p.Met82Val (NM_001191322.2); c.331A>G, p.Met111Val (NM_001191323.2); c.454A>G, p.Met152Val (NM_001368719.1); short protein forms M152V, M82V, M111V.
Identifiers: ClinVar variation 1741405 (VCV001741405.2), dbSNP rs2548708006, ClinGen allele CA391557989.